The following is an entry in ClinVar:

NM_001127464.1:c.1750G>A

Gene: ZNF469 (zinc finger protein 469; plus strand).
Variant type: single nucleotide variant.
Identifiers: ClinVar variation 4615425 (VCV004615425.2).

ClinVar aggregate classification (germline): Conflicting classifications of pathogenicity. Review status: criteria provided, conflicting classifications (1 of 4 stars). 2 submissions from 2 submitters: Uncertain significance (1); Likely benign (1). Last evaluated 2025-11-19.

Conditions:
Cardiovascular phenotype. Identifiers: MedGen CN230736.

Submissions (2):

Ambry Genetics
Classification: Likely benign for Cardiovascular phenotype. Last evaluated: 2025-11-19. Review status: criteria provided, single submitter. Criteria: Ambry Variant Classification Scheme 2023. Collection method: clinical testing. Allele origin: germline.

GeneDx
Classification: Uncertain significance. Last evaluated: 2025-07-08. Review status: criteria provided, single submitter. Criteria: GeneDx Variant Classification Process June 2021. Collection method: clinical testing. Allele origin: germline. Affected: yes.
Comment: In silico analysis suggests that this missense variant does not alter protein structure/function; In silico analysis suggests this variant may impact gene splicing. In the absence of RNA/functional studies, the actual effect of this sequence change is unknown.; Has not been previously published as pathogenic or benign to our knowledge; Not observed at significant frequency in large population cohorts (gnomAD)